The following is an entry in ClinVar:

NM_000059.4(BRCA2):c.7855T>G (p.Trp2619Gly)

Gene: BRCA2 (BRCA2 DNA repair associated; plus strand). Cytogenetic location: 13q13.1.
Variant type: single nucleotide variant.
Coding change: c.7855T>G on transcript NM_000059.4 (MANE Select); coding-DNA position 7855, T replaced by G.
Protein change: p.Trp2619Gly; replaces tryptophan 2619 with glycine.
Molecular consequence: missense variant. On other transcripts: non-coding transcript variant (1).
Genome position (GRCh38, 1-based): chr13:32,362,572, T>G. VCF-style: chr13-32362572-T-G. GRCh37 (hg19) VCF-style: chr13-32936709-T-G.
Other names: c.7759T>G, p.Trp2587Gly (NM_001406719.1); c.7855T>G, p.Trp2619Gly (NM_001406720.1); c.2923T>G, p.Trp975Gly (NM_001406721.1); c.1438T>G, p.Trp480Gly (NM_001406722.1); short protein forms W2587G, W975G, W2619G, W480G.
Identifiers: ClinVar variation 2560930 (VCV002560930.2), dbSNP rs1593923998, ClinGen allele CA387747057.

ClinVar aggregate classification (germline): Pathogenic (1 of 4 stars; one submission).

Conditions:
Hereditary cancer-predisposing syndrome. Also called: Neoplastic Syndromes, Hereditary; Hereditary Cancer Syndrome; Hereditary neoplastic syndrome; Tumor predisposition. Identifiers: Orphanet 140162, MedGen C0027672, MeSH D009386, MONDO:0015356.

Submission:

Ambry Genetics
Classification: Pathogenic for Hereditary cancer-predisposing syndrome. Last evaluated: 2023-04-20. Review status: criteria provided, single submitter. Criteria: Ambry Variant Classification Scheme 2023. Collection method: clinical testing. Allele origin: germline.
Comment: The p.W2619G pathogenic mutation (also known as c.7855T>G), located in coding exon 16 of the BRCA2 gene, results from a T to G substitution at nucleotide position 7855. The tryptophan at codon 2619 is replaced by glycine, an amino acid with highly dissimilar properties. This alteration is non-functional in a homology-directed DNA repair (HDR) assay (Ambry internal data). This amino acid position is highly conserved in available vertebrate species. Based on internal structural assessment, this alteration will result in destabilization of the structure at the HD/OBD1 interface (Yang H et al. Science, 2002 Sep;297:1837-48). In addition, this alteration is predicted to be deleterious by in silico analysis. Based on the majority of available evidence to date, this variant is considered a disease-causing mutation.

Literature cited by the submitters: PubMed 12228710.